The following is an entry in ClinVar:

ClinVar aggregate classification (germline): Conflicting classifications of pathogenicity. Review status: criteria provided, conflicting classifications (1 of 4 stars). 3 submissions from 3 submitters: Likely pathogenic (1); Uncertain significance (2). Last evaluated 2026-04-17.

Conditions:
Spermatogenic failure 25. Identifiers: MedGen C4693765, MONDO:0054729, OMIM 617960.

Submissions (3):

Dasa
Classification: Uncertain significance. Last evaluated: 2026-04-17. Review status: criteria provided, single submitter. Criteria: DASA Assertion Criteria. Collection method: clinical testing. Allele origin: germline.
Comment: NM_001350162.2(TEX15):c.2580_2583del (p.Asp860Glufs*15) is a frameshift variant in TEX15 predicted to alter the reading frame and introduce a premature termination codon and is predicted to result in an absent or altered protein product. This variant is rare in population databases. The currently available literature and clinical evidence are not sufficient to establish a definitive association between this variant and the reported condition. Therefore, this variant is classified as a variant of uncertain significance.

First Genomix Gene Laboratory, Genetic Diagnostics Department
Classification: Likely pathogenic for Spermatogenic failure 25. Last evaluated: 2025-03-20. Review status: criteria provided, single submitter. Criteria: ACMG Guidelines, 2015. Collection method: clinical testing. Allele origin: germline. Inheritance: Autosomal recessive inheritance. Affected: no. Observed: 1 variant allele.

Juno Genomics, Hangzhou Juno Genomics, Inc
Classification: Uncertain significance for Spermatogenic failure 25. Review status: criteria provided, single submitter. Criteria: ACMG Guidelines, 2015. Collection method: clinical testing. Allele origin: germline.
Comment: Absent from controls (or at extremely low frequency if recessive) in Genome Aggregation Database.

NM_001350162.2(TEX15):c.2580_2583del (p.Asp860fs)

Gene: TEX15 (testis expressed 15, meiosis and synapsis associated; minus strand). Cytogenetic location: 8p12.
Variant type: Deletion.
Coding change: c.2580_2583del on transcript NM_001350162.2 (MANE Select); coding-DNA positions 2580 to 2583, 4 bases deleted (TAGA; older notation c.2580_2583delTAGA).
Protein change: p.Asp860fs; shifts the reading frame from aspartic acid 860.
Molecular consequence: frameshift variant.
Genome position (GRCh38, 1-based): chr8:30,847,584-30,847,587, TCTA deleted on the plus strand (TAGA on the coding strand, the reverse complement: TEX15 is on the minus strand); deleting any 4 consecutive bases within chr8:30,847,584-30,847,590 gives the same sequence; the c. name uses the placement nearest the transcript's 3' end. VCF-style (leftmost placement, unchanged base first): chr8-30847583-CTCTA-C. GRCh37 (hg19) VCF-style: chr8-30705099-CTCTA-C.
Other names: c.2580_2583delTAGA (NM_001350162.2); short protein forms D860fs.
Identifiers: ClinVar variation 4845775 (VCV004845775.5).